The following is an entry in ClinVar:

NM_000178.4(GSS):c.922C>T (p.Gln308Ter)

Gene: GSS (glutathione synthetase; minus strand). Cytogenetic location: 20q11.22.
Variant type: single nucleotide variant.
Coding change: c.922C>T on transcript NM_000178.4 (MANE Select); coding-DNA position 922, C replaced by T.
Protein change: p.Gln308Ter; replaces glutamine 308 with a stop codon.
Molecular consequence: nonsense.
Genome position (GRCh38, 1-based): chr20:34,932,046, G>A on the plus strand (C>T on the coding strand, the complement: GSS is on the minus strand). VCF-style: chr20-34932046-G-A. GRCh37 (hg19) VCF-style: chr20-33519849-G-A.
Other names: c.922C>T, p.Gln308Ter (NM_001322494.1, NM_001322495.1); c.922C>T (NM_000178.3); short protein forms Q308*.
Identifiers: ClinVar variation 1076084 (VCV001076084.9), dbSNP rs983871391, ClinGen allele CA313477842.

ClinVar aggregate classification (germline): Pathogenic. Review status: criteria provided, multiple submitters, no conflicts (2 of 4 stars). 2 submissions from 2 submitters: Pathogenic (2). Last evaluated 2025-12-22.

Conditions:
GSS-related disorder. Also called: GSS-related condition.
Glutathione synthetase deficiency with 5-oxoprolinuria. Also called: 5-Oxoprolinuria; Reduced glutathione synthetase level; 5-OXOPROLINURIA DUE TO GLUTATHIONE SYNTHETASE DEFICIENCY; PYROGLUTAMIC ACIDURIA; Gluthathione synthetase deficiency. Identifiers: Orphanet 289846, MedGen C0398746, MONDO:0009947, OMIM 266130, HP:0003343.

Allele frequency attached by ClinVar (database versions not stated): gnomAD exomes below 0.00001 and 0.00007; gnomAD 0.00001; TOPMed 0.00002.

Submissions (2):

Labcorp Genetics (formerly Invitae), Labcorp
Classification: Pathogenic for Glutathione synthetase deficiency with 5-oxoprolinuria. Last evaluated: 2025-12-22. Review status: criteria provided, single submitter. Criteria: Invitae Variant Classification Sherloc (09022015). Collection method: clinical testing. Allele origin: germline.
Comment: This sequence change creates a premature translational stop signal (p.Gln308*) in the GSS gene. It is expected to result in an absent or disrupted protein product. Loss-of-function variants in GSS are known to be pathogenic (PMID: 12638941, 15717202). This variant is present in population databases (no rsID available, gnomAD 0.0009%). This variant has not been reported in the literature in individuals affected with GSS-related conditions. ClinVar contains an entry for this variant (Variation ID: 1076084). For these reasons, this variant has been classified as Pathogenic.

PreventionGenetics, part of Exact Sciences
Classification: Pathogenic for GSS-related condition. Last evaluated: 2025-11-18. Review status: criteria provided, single submitter. Criteria: ACMG Guidelines, 2015. Collection method: clinical testing. Allele origin: germline.
Comment: The GSS c.922C>T variant is predicted to result in premature protein termination (p.Gln308*). To our knowledge, this variant has not been reported in the literature. This variant is reported in 0.00088% of alleles in individuals of European (Non-Finnish) descent in gnomAD. Nonsense variants in GSS are expected to be pathogenic. This variant is interpreted as pathogenic.

Literature cited by the submitters: PubMed 12638941 (cited by Labcorp Genetics (formerly Invitae), Labcorp); PubMed 15717202 (cited by Labcorp Genetics (formerly Invitae), Labcorp).